The following is an entry in ClinVar:

ClinVar aggregate classification (germline): Pathogenic (1 of 4 stars; one submission).

Conditions:
Fanconi anemia (FA). Also called: Fanconi's anemia. Identifiers: Orphanet 84, MedGen C0015625, MeSH D005199, MONDO:0019391.

Submission:

Labcorp Genetics (formerly Invitae), Labcorp
Classification: Pathogenic for Fanconi anemia. Last evaluated: 2024-02-03. Review status: criteria provided, single submitter. Criteria: Invitae Variant Classification Sherloc (09022015). Collection method: clinical testing. Allele origin: germline.
Comment: This sequence change creates a premature translational stop signal (p.Gln198*) in the FANCD2 gene. It is expected to result in an absent or disrupted protein product. Loss-of-function variants in FANCD2 are known to be pathogenic (PMID: 17436244). This variant is not present in population databases (gnomAD no frequency). This variant has not been reported in the literature in individuals affected with FANCD2-related conditions. For these reasons, this variant has been classified as Pathogenic.

Literature cited by the submitters: PubMed 17436244.

NM_001018115.3(FANCD2):c.592C>T (p.Gln198Ter)

Genes: FANCD2 (FA complementation group D2; plus strand), LOC107303338 (3p25 FANCD2 Alu-mediated recombination region; plus strand). Cytogenetic location: 3p25.3.
Variant type: single nucleotide variant.
Coding change: c.592C>T on transcript NM_001018115.3 (MANE Select); coding-DNA position 592, C replaced by T.
Protein change: p.Gln198Ter; replaces glutamine 198 with a stop codon.
Molecular consequence: nonsense.
Genome position (GRCh38, 1-based): chr3:10,039,742, C>T. VCF-style: chr3-10039742-C-T. GRCh37 (hg19) VCF-style: chr3-10081426-C-T.
Other names: c.592C>T, p.Gln198Ter (NM_001319984.2, NM_001374253.1, NM_001374254.1 and 2 more transcripts); short protein forms Q198*.
Identifiers: ClinVar variation 3638656 (VCV003638656.2).